The following is an entry in ClinVar:

NM_004527.4(MEOX1):c.700C>A (p.Pro234Thr)

Gene: MEOX1 (mesenchyme homeobox 1; minus strand). Cytogenetic location: 17q21.31.
Variant type: single nucleotide variant.
Coding change: c.700C>A on transcript NM_004527.4 (MANE Select); coding-DNA position 700, C replaced by A.
Protein change: p.Pro234Thr; replaces proline 234 with threonine.
Molecular consequence: missense variant.
Genome position (GRCh38, 1-based): chr17:43,641,975, G>T on the plus strand (C>A on the coding strand, the complement: MEOX1 is on the minus strand). VCF-style: chr17-43641975-G-T. GRCh37 (hg19) VCF-style: chr17-41719343-G-T.
Other names: c.355C>A, p.Pro119Thr (NM_001040002.2); c.527C>A, p.Ala176Asp (NM_013999.4); short protein forms A176D, P119T, P234T.
Identifiers: ClinVar variation 736085 (VCV000736085.12), dbSNP rs148250692, ClinGen allele CA8592539.

ClinVar aggregate classification (germline): Likely benign. Review status: criteria provided, single submitter (1 of 4 stars). 2 submissions from 2 submitters: Likely benign (1). 1 of the submissions does not count toward it. Last evaluated 2025-10-19.

Conditions:
MEOX1-related disorder. Also called: MEOX1-related condition.

Allele frequency attached by ClinVar (database versions not stated): gnomAD exomes 0.00043; ExAC 0.00050; 1000 Genomes Project 30x 0.00094; 1000 Genomes Project 0.00100; gnomAD 0.00140 and 0.00153; ESP Exome Variant Server 0.00177; TOPMed 0.00179.
gnomAD v4.1: 404 of 1,614,004 alleles (0.025%); highest among the groups gnomAD compares: African/African-American, 0.49%; 2 homozygotes.

Submissions (2):

Labcorp Genetics (formerly Invitae), Labcorp
Classification: Likely benign. Last evaluated: 2025-10-19. Review status: criteria provided, single submitter. Criteria: Invitae Variant Classification Sherloc (09022015). Collection method: clinical testing. Allele origin: germline.

PreventionGenetics, part of Exact Sciences
Classification: Likely benign for MEOX1-related condition. Last evaluated: 2019-05-20. Review status: no assertion criteria provided. Collection method: clinical testing. Allele origin: germline. Not counted in ClinVar's aggregate classification.
Comment: This variant is classified as likely benign based on ACMG/AMP sequence variant interpretation guidelines (Richards et al. 2015 PMID: 25741868, with internal and published modifications).